The following is an entry in ClinVar:

ClinVar aggregate classification (germline): Uncertain significance. Review status: criteria provided, multiple submitters, no conflicts (2 of 4 stars). 2 submissions from 2 submitters: Uncertain significance (2). Last evaluated 2025-05-19.

Conditions:
Inborn genetic diseases. Identifiers: MedGen C0950123, MeSH D030342.

Allele frequency attached by ClinVar (database versions not stated): gnomAD exomes 0.00002; ExAC 0.00003; gnomAD 0.00007; TOPMed 0.00017; ESP Exome Variant Server 0.00023.
gnomAD v4.1: 34 of 1,613,936 alleles (0.0021%); highest among the groups gnomAD compares: African/African-American, 0.043%; no homozygotes.

Submissions (2):

Ambry Genetics
Classification: Uncertain significance for Inborn genetic diseases. Last evaluated: 2025-05-19. Review status: criteria provided, single submitter. Criteria: Ambry Variant Classification Scheme 2023. Collection method: clinical testing. Allele origin: germline.

Labcorp Genetics (formerly Invitae), Labcorp
Classification: Uncertain significance. Last evaluated: 2024-10-29. Review status: criteria provided, single submitter. Criteria: Invitae Variant Classification Sherloc (09022015). Collection method: clinical testing. Allele origin: germline.
Comment: This sequence change replaces valine, which is neutral and non-polar, with leucine, which is neutral and non-polar, at codon 634 of the BMPER protein (p.Val634Leu). This variant is present in population databases (rs141288657, gnomAD 0.06%). This variant has not been reported in the literature in individuals affected with BMPER-related conditions. ClinVar contains an entry for this variant (Variation ID: 2178212). Invitae Evidence Modeling of protein sequence and biophysical properties (such as structural, functional, and spatial information, amino acid conservation, physicochemical variation, residue mobility, and thermodynamic stability) indicates that this missense variant is not expected to disrupt BMPER protein function with a negative predictive value of 80%. In summary, the available evidence is currently insufficient to determine the role of this variant in disease. Therefore, it has been classified as a Variant of Uncertain Significance.

NM_001365308.1(BMPER):c.1900G>C (p.Val634Leu)

Gene: BMPER (BMP binding endothelial regulator; plus strand). Cytogenetic location: 7p14.3.
Variant type: single nucleotide variant.
Coding change: c.1900G>C on transcript NM_001365308.1 (MANE Select); coding-DNA position 1900, G replaced by C.
Protein change: p.Val634Leu; replaces valine 634 with leucine.
Molecular consequence: missense variant.
Genome position (GRCh38, 1-based): chr7:34,153,115, G>C. VCF-style: chr7-34153115-G-C. GRCh37 (hg19) VCF-style: chr7-34192727-G-C.
Other names: c.1900G>C (NM_133468.3); c.1570G>C, p.Val524Leu (NM_001410872.1); c.1900G>C, p.Val634Leu (NM_133468.5); short protein forms V634L, V524L.
Identifiers: ClinVar variation 2178212 (VCV002178212.6), dbSNP rs141288657, ClinGen allele CA4215557.
Genomic context (GRCh38, chr7:34,153,115, plus strand): 5'-TCTCCATGTTATGCCTTTGTCTCCTTCTCTTTTTCAGCCACCCAGTGTAAGCATGGTGCT[G>C]TGTACGATACCTGTGGTCCGGGATGTATCAAGACGTGTGACAACTGGAATGAAATTGGTC-3'
Protein context (NP_001352237.1, residues 624-644): CAATQCKHGA[Val634Leu]YDTCGPGCIK